The following is an entry in ClinVar:

NC_000023.11:g.(?_37780009)_(37783620_?)del

Genes: CYBB (cytochrome b-245 beta chain; plus strand), LOC130068093 (ATAC-STARR-seq lymphoblastoid active region 29519; plus strand). Cytogenetic location: Xp21.1.
Variant type: Deletion.
Identifiers: ClinVar variation 660681 (VCV000660681.10).

ClinVar aggregate classification (germline): Pathogenic (1 of 4 stars; one submission).

Conditions:
Granulomatous disease, chronic, X-linked. Also called: CYTOCHROME b-NEGATIVE GRANULOMATOUS DISEASE, CHRONIC, X-LINKED; GRANULOMATOUS DISEASE, CHRONIC, X-LINKED, SOMATIC MOSAIC. Identifiers: Orphanet 379, MedGen C1844376, MONDO:0010600, OMIM 306400.

Submission:

Labcorp Genetics (formerly Invitae), Labcorp
Classification: Pathogenic for Granulomatous disease, chronic, X-linked. Last evaluated: 2021-07-14. Review status: criteria provided, single submitter. Criteria: Invitae Variant Classification Sherloc (09022015). Collection method: clinical testing. Allele origin: germline.
Comment: This variant is a gross deletion of the genomic region encompassing exon(s) 1-3 of the CYBB gene, which includes the initiator codon. The 5' end of this event is unknown as it extends beyond the assayed region for this gene and therefore may encompass additional genes. The 3' boundary is likely confined to intron 3 of the CYBB gene. It is expected to result in an absent or disrupted protein product. Loss-of-function variants in CYBB are known to be pathogenic (PMID: 9585602, 20729109). A deletion of exons 1-3 has been observed in an individual affected with X-linked chronic granulomatous disease (PMID: 9454688). For these reasons, this variant has been classified as Pathogenic.

Literature cited by the submitters: PubMed 9585602; PubMed 20729109; PubMed 9454688.